The following is an entry in ClinVar:

ClinVar aggregate classification (germline): Uncertain significance. Review status: criteria provided, multiple submitters, no conflicts (2 of 4 stars). 2 submissions from 2 submitters: Uncertain significance (2). Last evaluated 2021-10-08.

Conditions:
Hereditary cancer-predisposing syndrome. Also called: Neoplastic Syndromes, Hereditary; Hereditary Cancer Syndrome; Tumor predisposition; Hereditary neoplastic syndrome. Identifiers: Orphanet 140162, MedGen C0027672, MeSH D009386, MONDO:0015356.
Hereditary breast ovarian cancer syndrome. Also called: Hereditary breast and ovarian cancer; Hereditary breast and/or ovarian cancer syndrome; Hereditary breast and ovarian cancer syndrome; Hereditary breast and ovarian cancer syndrome (HBOC); Breast and ovarian cancer; BRCA1- and BRCA2-Associated Hereditary Breast and Ovarian Cancer. Identifiers: Orphanet 145, MedGen C0677776, MeSH D061325, MONDO:0003582. Disease mechanism: loss of function.

Submissions (2):

Ambry Genetics
Classification: Uncertain significance for Hereditary cancer-predisposing syndrome. Last evaluated: 2021-10-08. Review status: criteria provided, single submitter. Criteria: Ambry Variant Classification Scheme 2023. Collection method: clinical testing. Allele origin: germline.
Comment: The p.S93F variant (also known as c.278C>T), located in coding exon 2 of the BRCA2 gene, results from a C to T substitution at nucleotide position 278. The serine at codon 93 is replaced by phenylalanine, an amino acid with highly dissimilar properties. This amino acid position is highly conserved in available vertebrate species. In addition, the in silico prediction for this alteration is inconclusive. Since supporting evidence is limited at this time, the clinical significance of this alteration remains unclear.

Labcorp Genetics (formerly Invitae), Labcorp
Classification: Uncertain significance for Hereditary breast ovarian cancer syndrome. Last evaluated: 2021-09-03. Review status: criteria provided, single submitter. Criteria: Invitae Variant Classification Sherloc (09022015). Collection method: clinical testing. Allele origin: germline.
Comment: In summary, the available evidence is currently insufficient to determine the role of this variant in disease. Therefore, it has been classified as a Variant of Uncertain Significance. Advanced modeling of protein sequence and biophysical properties (such as structural, functional, and spatial information, amino acid conservation, physicochemical variation, residue mobility, and thermodynamic stability) performed at Invitae indicates that this missense variant is not expected to disrupt BRCA2 protein function. This variant has not been reported in the literature in individuals affected with BRCA2-related conditions. This variant is not present in population databases (ExAC no frequency). This sequence change replaces serine with phenylalanine at codon 93 of the BRCA2 protein (p.Ser93Phe). The serine residue is moderately conserved and there is a large physicochemical difference between serine and phenylalanine.

NM_000059.4(BRCA2):c.278C>T (p.Ser93Phe)

Gene: BRCA2 (BRCA2 DNA repair associated; plus strand). Cytogenetic location: 13q13.1.
Variant type: single nucleotide variant.
Coding change: c.278C>T on transcript NM_000059.4 (MANE Select); coding-DNA position 278, C replaced by T.
Protein change: p.Ser93Phe; replaces serine 93 with phenylalanine.
Molecular consequence: missense variant.
Genome position (GRCh38, 1-based): chr13:32,319,287, C>T. VCF-style: chr13-32319287-C-T. GRCh37 (hg19) VCF-style: chr13-32893424-C-T.
Other names: short protein forms S93F.
Identifiers: ClinVar variation 1379418 (VCV001379418.8), dbSNP rs2138705631, ClinGen allele CA387754598.